The following is an entry in ClinVar:

NM_003742.4(ABCB11):c.593T>C (p.Leu198Pro)

Gene: ABCB11 (ATP binding cassette subfamily B member 11; minus strand). Cytogenetic location: 2q31.1.
Variant type: single nucleotide variant.
Coding change: c.593T>C on transcript NM_003742.4 (MANE Select); coding-DNA position 593, T replaced by C.
Protein change: p.Leu198Pro; replaces leucine 198 with proline.
Molecular consequence: missense variant.
Genome position (GRCh38, 1-based): chr2:168,995,367, A>G on the plus strand (T>C on the coding strand, the complement: ABCB11 is on the minus strand). VCF-style: chr2-168995367-A-G. GRCh37 (hg19) VCF-style: chr2-169851877-A-G.
Other names: short protein forms L198P.
Identifiers: ClinVar variation 4846082 (VCV004846082.1).

ClinVar aggregate classification (germline): Uncertain significance (1 of 4 stars; one submission).

Conditions:
Familial intrahepatic cholestasis. Identifiers: Orphanet 284385, MedGen CN296401, MONDO:0017290.

Submission:

Genomenon, Inc
Classification: Uncertain significance for Familial intrahepatic cholestasis. Last evaluated: 2026-04-14. Review status: criteria provided, single submitter. Criteria: Genomenon Sequence Variant Interpretation Standards - Updated. Collection method: curation. Allele origin: germline. Affected: yes.
Comment: ABCB11 p.Leu198Pro (c.593T>C) is a missense variant that changes the amino acid at residue 198 from Leucine to Proline. This variant has been observed in at least one proband with an ABCB11-related disorder (PMID:39143102;19101985). Functional studies have been reported (PMID:40195555;19101985). It is absent or not present at a significant frequency in gnomAD. In silico models predict that this variant is possibly or probably damaging. In conclusion, we classify ABCB11 p.Leu198Pro (c.593T>C) as a variant of uncertain significance.

Literature cited by the submitters: PubMed 39143102; PubMed 19101985; PubMed 40195555.